The following is an entry in ClinVar:

NM_022168.4(IFIH1):c.1616T>C (p.Phe539Ser)

Gene: IFIH1 (interferon induced with helicase C domain 1; minus strand). Cytogenetic location: 2q24.2.
Variant type: single nucleotide variant.
Coding change: c.1616T>C on transcript NM_022168.4 (MANE Select); coding-DNA position 1616, T replaced by C.
Protein change: p.Phe539Ser; replaces phenylalanine 539 with serine.
Molecular consequence: missense variant.
Genome position (GRCh38, 1-based): chr2:162,280,021, A>G on the plus strand (T>C on the coding strand, the complement: IFIH1 is on the minus strand). VCF-style: chr2-162280021-A-G. GRCh37 (hg19) VCF-style: chr2-163136531-A-G.
Other names: short protein forms F539S.
Identifiers: ClinVar variation 1717473 (VCV001717473.5), dbSNP rs1682777245, ClinGen allele CA349000998.

ClinVar aggregate classification (germline): Uncertain significance (1 of 4 stars; one submission).

Conditions:
Singleton-Merten syndrome 1 (SGMRT1). Also called: Widened medullary cavities of bone, aortic calcification, abnormal dentition, and muscular weakness; Syndrome of widened medullary cavities of the metacarpals and phalanges, aortic calcification and abnormal dentition. Identifiers: Orphanet 85191, MedGen C4225427, MONDO:0024535, OMIM 182250.
Aicardi-Goutieres syndrome 7 (AGS7). Identifiers: Orphanet 51, MedGen C3888244, MONDO:0014367, OMIM 615846.

Allele frequency attached by ClinVar (database versions not stated): gnomAD exomes below 0.00001; gnomAD 0.00001.
gnomAD v4.1: 2 of 1,607,510 alleles (0.00012%); highest among the groups gnomAD compares: African/African-American, 0.0013%; no homozygotes.

Submission:

Labcorp Genetics (formerly Invitae), Labcorp
Classification: Uncertain significance for Aicardi-Goutieres syndrome 7; Singleton-Merten syndrome 1. Last evaluated: 2022-09-05. Review status: criteria provided, single submitter. Criteria: Invitae Variant Classification Sherloc (09022015). Collection method: clinical testing. Allele origin: germline.
Comment: This variant has not been reported in the literature in individuals affected with IFIH1-related conditions. This sequence change replaces phenylalanine, which is neutral and non-polar, with serine, which is neutral and polar, at codon 539 of the IFIH1 protein (p.Phe539Ser). This variant is not present in population databases (gnomAD no frequency). Algorithms developed to predict the effect of missense changes on protein structure and function are either unavailable or do not agree on the potential impact of this missense change (SIFT: "Deleterious"; PolyPhen-2: "Benign"; Align-GVGD: "Class C0"). In summary, the available evidence is currently insufficient to determine the role of this variant in disease. Therefore, it has been classified as a Variant of Uncertain Significance.